The following is an entry in ClinVar:

ClinVar aggregate classification (germline): Likely benign (1 of 4 stars; one submission).

gnomAD v4.1: 6 of 1,350,046 alleles (0.00044%); highest among the groups gnomAD compares: African/African-American, 0.0015%; no homozygotes.

Submission:

CeGaT Center for Human Genetics Tuebingen
Classification: Likely benign. Last evaluated: 2025-10-01. Review status: criteria provided, single submitter. Criteria: CeGaT Center For Human Genetics Tuebingen Variant Classification Criteria Version 2. Collection method: clinical testing. Allele origin: germline. Affected: yes. Observed: 1 variant allele.
Comment: ADAMTSL2: BP4, BP7

NM_014694.4(ADAMTSL2):c.228G>A (p.Gln76=)

Gene: ADAMTSL2 (ADAMTS like 2; plus strand). Cytogenetic location: 9q34.2.
Variant type: single nucleotide variant.
Coding change: c.228G>A on transcript NM_014694.4 (MANE Select); coding-DNA position 228, G replaced by A.
Protein change: p.Gln76=; no amino-acid change (glutamine 76 retained).
Molecular consequence: synonymous variant.
Genome position (GRCh38, 1-based): chr9:133,537,542, G>A. VCF-style: chr9-133537542-G-A. GRCh37 (hg19) VCF-style: chr9-136402664-G-A.
Other names: c.228G>A, p.Gln76= (NM_001145320.2).
Identifiers: ClinVar variation 4535017 (VCV004535017.6).